The following is an entry in ClinVar:

NM_006922.4(SCN3A):c.1726A>G (p.Ser576Gly)

Gene: SCN3A (sodium voltage-gated channel alpha subunit 3; minus strand). Cytogenetic location: 2q24.3.
Variant type: single nucleotide variant.
Coding change: c.1726A>G on transcript NM_006922.4 (MANE Select); coding-DNA position 1726, A replaced by G.
Protein change: p.Ser576Gly; replaces serine 576 with glycine.
Molecular consequence: missense variant.
Genome position (GRCh38, 1-based): chr2:165,140,944, T>C on the plus strand (A>G on the coding strand, the complement: SCN3A is on the minus strand). VCF-style: chr2-165140944-T-C. GRCh37 (hg19) VCF-style: chr2-165997454-T-C.
Other names: c.1726A>G, p.Ser576Gly (NM_001081676.2, NM_001081677.2); short protein forms S576G.
Identifiers: ClinVar variation 1039932 (VCV001039932.10), dbSNP rs1687976841, ClinGen allele CA349047062.

ClinVar aggregate classification (germline): Uncertain significance. Review status: criteria provided, multiple submitters, no conflicts (2 of 4 stars). 2 submissions from 2 submitters: Uncertain significance (2). Last evaluated 2025-03-01.

Allele frequency attached by ClinVar (database versions not stated): TOPMed below 0.00001.

Submissions (2):

Labcorp Genetics (formerly Invitae), Labcorp
Classification: Uncertain significance. Last evaluated: 2025-03-01. Review status: criteria provided, single submitter. Criteria: Invitae Variant Classification Sherloc (09022015). Collection method: clinical testing. Allele origin: germline.
Comment: This sequence change replaces serine, which is neutral and polar, with glycine, which is neutral and non-polar, at codon 576 of the SCN3A protein (p.Ser576Gly). This variant is not present in population databases (gnomAD no frequency). This variant has not been reported in the literature in individuals affected with SCN3A-related conditions. ClinVar contains an entry for this variant (Variation ID: 1039932). Invitae Evidence Modeling of protein sequence and biophysical properties (such as structural, functional, and spatial information, amino acid conservation, physicochemical variation, residue mobility, and thermodynamic stability) indicates that this missense variant is not expected to disrupt SCN3A protein function with a negative predictive value of 80%. In summary, the available evidence is currently insufficient to determine the role of this variant in disease. Therefore, it has been classified as a Variant of Uncertain Significance.

GeneDx
Classification: Uncertain significance. Last evaluated: 2022-10-17. Review status: criteria provided, single submitter. Criteria: GeneDx Variant Classification Process June 2021. Collection method: clinical testing. Allele origin: germline. Affected: yes.
Comment: Not observed at significant frequency in large population cohorts (gnomAD); In silico analysis supports that this missense variant has a deleterious effect on protein structure/function; Has not been previously published as pathogenic or benign to our knowledge